The following is an entry in ClinVar:

NM_001378120.1(MBD5):c.3907C>T (p.Gln1303Ter)

Gene: MBD5 (methyl-CpG binding domain protein 5; plus strand). Cytogenetic location: 2q23.1.
Variant type: single nucleotide variant.
Coding change: c.3907C>T on transcript NM_001378120.1 (MANE Select); coding-DNA position 3907, C replaced by T.
Protein change: p.Gln1303Ter; replaces glutamine 1303 with a stop codon.
Molecular consequence: nonsense.
Genome position (GRCh38, 1-based): chr2:148,489,539, C>T. VCF-style: chr2-148489539-C-T. GRCh37 (hg19) VCF-style: chr2-149247108-C-T.
Other names: c.3208C>T, p.Gln1070Ter (NM_018328.5); short protein forms Q1070*, Q1303*.
Identifiers: ClinVar variation 1423243 (VCV001423243.6), dbSNP rs2105124818, ClinGen allele CA348725693.

ClinVar aggregate classification (germline): Pathogenic (1 of 4 stars; one submission).

Conditions:
Intellectual developmental disorder, autosomal dominant 1. Also called: Intellectual disability, autosomal dominant 1; MBD5 Haploinsufficiency. Identifiers: Orphanet 228402, MedGen C1969562, MONDO:0007974, OMIM 156200.

Submission:

Labcorp Genetics (formerly Invitae), Labcorp
Classification: Pathogenic for Intellectual developmental disorder, autosomal dominant 1. Last evaluated: 2022-01-07. Review status: criteria provided, single submitter. Criteria: Invitae Variant Classification Sherloc (09022015). Collection method: clinical testing. Allele origin: germline.
Comment: For these reasons, this variant has been classified as Pathogenic. This variant has not been reported in the literature in individuals affected with MBD5-related conditions. This variant is not present in population databases (gnomAD no frequency). This sequence change creates a premature translational stop signal (p.Gln1070*) in the MBD5 gene. It is expected to result in an absent or disrupted protein product. Loss-of-function variants in MBD5 are known to be pathogenic (PMID: 23422940, 23587880).

Literature cited by the submitters: PubMed 23422940; PubMed 23587880.